The following is an entry in ClinVar:

ClinVar aggregate classification (germline): Uncertain significance (1 of 4 stars; one submission).

Conditions:
Hereditary cancer-predisposing syndrome. Also called: Neoplastic Syndromes, Hereditary; Hereditary Cancer Syndrome; Tumor predisposition; Hereditary neoplastic syndrome. Identifiers: Orphanet 140162, MedGen C0027672, MeSH D009386, MONDO:0015356.

Submission:

Ambry Genetics
Classification: Uncertain significance for Hereditary cancer-predisposing syndrome. Last evaluated: 2025-02-20. Review status: criteria provided, single submitter. Criteria: Ambry Variant Classification Scheme 2023. Collection method: clinical testing. Allele origin: germline.
Comment: The c.3717_3727del11 variant, located in coding exon 22 of the PTCH1 gene, results from a deletion of 11 nucleotides at nucleotide positions 3717 to 3727, causing a translational frameshift with a predicted alternate stop codon (p.H1240Pfs*81). This alteration is expected to result in loss of function by premature protein truncation or nonsense-mediated mRNA decay. However, it occurs near the 3' terminus of PTCH1 where no known functional domains are located. Alterations in this region have been observed in individuals who do not have a personal or family history that is consistent with or suggestive of PTCH1-associated disease (Ambry internal data). Since supporting evidence is limited at this time, the clinical significance of this alteration remains unclear.

NM_000264.5(PTCH1):c.3717_3727del (p.His1240fs)

Gene: PTCH1 (patched 1; minus strand). Cytogenetic location: 9q22.32.
Variant type: Deletion.
Coding change: c.3717_3727del on transcript NM_000264.5 (MANE Select); coding-DNA positions 3717 to 3727, 11 bases deleted (GCACTACGAGG).
Protein change: p.His1240fs; shifts the reading frame from histidine 1240.
Molecular consequence: frameshift variant. On other transcripts: non-coding transcript variant (1).
Genome position (GRCh38, 1-based): chr9:95,449,146-95,449,156, CCTCGTAGTGC deleted on the plus strand (GCACTACGAGG on the coding strand, the reverse complement: PTCH1 is on the minus strand); deleting any 11 consecutive bases within chr9:95,449,146-95,449,157 gives the same sequence; the c. name uses the placement nearest the transcript's 3' end. VCF-style (leftmost placement, unchanged base first): chr9-95449145-GCCTCGTAGTGC-G. GRCh37 (hg19) VCF-style: chr9-98211427-GCCTCGTAGTGC-G.
Other names: c.3519_3529del, p.His1174fs (NM_001083602.3); c.3714_3724del, p.His1239fs (NM_001083603.3); c.3264_3274del, p.His1089fs (NM_001083604.3, NM_001083605.3, NM_001083606.3 and 1 more transcripts); c.3561_3571del, p.His1188fs (NM_001354918.2); c.3717_3727del11 (NM_000264.3); short protein forms H1239fs, H1240fs, H1188fs, H1089fs, H1174fs.
Identifiers: ClinVar variation 3784590 (VCV003784590.1).
Genomic context (GRCh38, chr9:95,449,145, plus strand): 5'-ACGGGGTTTTCTGTGGCTTCCACGATCACTTGGTGGGCAGGGCCTCCCGCGCCCTGCTGG[GCCTCGTAGTGC>G]CGAAGCTCCTCGCTGAGGCCTGACACTGTCGTCTGGGAACTATACTCCGAGTCGGAGGAA-3'